The following is an entry in ClinVar:

NM_001104631.2(PDE4D):c.1053G>A (p.Gln351=)

Gene: PDE4D (phosphodiesterase 4D; minus strand). Cytogenetic location: 5q11.2.
Variant type: single nucleotide variant.
Coding change: c.1053G>A on transcript NM_001104631.2 (MANE Select); coding-DNA position 1053, G replaced by A.
Protein change: p.Gln351=; no amino-acid change (glutamine 351 retained).
Molecular consequence: synonymous variant.
Genome position (GRCh38, 1-based): chr5:58,991,967, C>T on the plus strand (G>A on the coding strand, the complement: PDE4D is on the minus strand). VCF-style: chr5-58991967-C-T. GRCh37 (hg19) VCF-style: chr5-58287794-C-T.
Other names: c.870G>A, p.Gln290= (NM_001165899.2, NM_001364599.1); c.861G>A, p.Gln287= (NM_001197218.2); c.687G>A, p.Gln229= (NM_001197219.2); c.663G>A, p.Gln221= (NM_001197220.2); c.147G>A, p.Gln49= (NM_001197221.2, NM_001364603.1); c.381G>A, p.Gln127= (NM_001197222.2); c.180G>A, p.Gln60= (NM_001197223.2); c.840G>A, p.Gln280= (NM_001349241.2); and 3 more.
Identifiers: ClinVar variation 353995 (VCV000353995.15), dbSNP rs370618257, ClinGen allele CA3276158.
Genomic context (GRCh38, chr5:58,991,967, plus strand): 5'-CATCAATTTCTTGACTCCACTGATCTGAGACATTGGTCTTTTCTTTTTCTCCTTTTCCTT[C>T]TGAGTTGGAGAAGGAATTTCCACTTCATGTTGCTTATCTTGAGAAATTTAGAAAATGTTC-3'
Protein context (NP_001098101.1, residues 341-361): QHEVEIPSPT[Gln351=]KEKEKKKRPM

ClinVar aggregate classification (germline): Benign/Likely benign. Review status: criteria provided, multiple submitters, no conflicts (2 of 4 stars). 3 submissions from 3 submitters: Benign (1); Likely benign (2). Last evaluated 2025-11-10.

Conditions:
PDE4D-related disorder. Also called: PDE4D-related condition.
Acrodysostosis 2 with or without hormone resistance. Also called: ACRODYSOSTOSIS 2 WITH HORMONE RESISTANCE; ACRODYSOSTOSIS 2 WITHOUT HORMONE RESISTANCE. Identifiers: Orphanet 280651, MedGen C3553250, MONDO:0013822, OMIM 614613.

Allele frequency attached by ClinVar (database versions not stated): gnomAD 0.00001; TOPMed 0.00003; ESP Exome Variant Server 0.00008.
gnomAD v4.1: 161 of 1,592,960 alleles (0.01%); highest among the groups gnomAD compares: East Asian, 0.025%; no homozygotes.

Submissions (3):

PreventionGenetics, part of Exact Sciences
Classification: Likely benign for PDE4D-related condition. Last evaluated: 2025-11-10. Review status: criteria provided, single submitter. Criteria: ACMG Guidelines, 2015. Collection method: clinical testing. Allele origin: germline.
Comment: This variant is classified as likely benign based on ACMG/AMP sequence variant interpretation guidelines (Richards et al. 2015 PMID: 25741868, with internal and published modifications).

Labcorp Genetics (formerly Invitae), Labcorp
Classification: Likely benign. Last evaluated: 2025-07-21. Review status: criteria provided, single submitter. Criteria: Invitae Variant Classification Sherloc (09022015). Collection method: clinical testing. Allele origin: germline.

Illumina Laboratory Services, Illumina
Classification: Benign for Acrodysostosis 2 with or without hormone resistance. Last evaluated: 2018-01-13. Review status: criteria provided, single submitter. Criteria: ICSL Variant Classification Criteria 13 December 2019. Collection method: clinical testing. Allele origin: germline.
Comment: This variant was observed in the ICSL laboratory as part of a predisposition screen in an ostensibly healthy population. It had not been previously curated by ICSL or reported in the Human Gene Mutation Database (HGMD: prior to June 1st, 2018), and was therefore a candidate for classification through an automated scoring system. Utilizing variant allele frequency, disease prevalence and penetrance estimates, and inheritance mode, an automated score was calculated to assess if this variant is too frequent to cause the disease. Based on the score and internal cut-off values, a variant classified as benign is not then subjected to further curation. The score for this variant resulted in a classification of benign for this disease.